The following is an entry in ClinVar:

ClinVar aggregate classification (germline): Uncertain significance (1 of 4 stars; one submission).

Conditions:
Inflammatory skin and bowel disease, neonatal, 1. Identifiers: Orphanet 294023, MedGen C3280501, MONDO:0013693, OMIM 614328.

Submission:

Labcorp Genetics (formerly Invitae), Labcorp
Classification: Uncertain significance for Inflammatory skin and bowel disease, neonatal, 1. Last evaluated: 2020-01-27. Review status: criteria provided, single submitter. Criteria: Invitae Variant Classification Sherloc (09022015). Collection method: clinical testing. Allele origin: germline.
Comment: Algorithms developed to predict the effect of missense changes on protein structure and function are either unavailable or do not agree on the potential impact of this missense change (SIFT: "Not Available"; PolyPhen-2: "Benign"; Align-GVGD: "Not Available"). In summary, the available evidence is currently insufficient to determine the role of this variant in disease. Therefore, it has been classified as a Variant of Uncertain Significance. This variant has not been reported in the literature in individuals with ADAM17-related conditions. This variant is not present in population databases (ExAC no frequency). This sequence change replaces serine with proline at codon 266 of the ADAM17 protein (p.Ser266Pro). The serine residue is moderately conserved and there is a moderate physicochemical difference between serine and proline.

NM_003183.6(ADAM17):c.796T>C (p.Ser266Pro)

Gene: ADAM17 (ADAM metallopeptidase domain 17; minus strand). Cytogenetic location: 2p25.1.
Variant type: single nucleotide variant.
Coding change: c.796T>C on transcript NM_003183.6 (MANE Select); coding-DNA position 796, T replaced by C.
Protein change: p.Ser266Pro; replaces serine 266 with proline.
Molecular consequence: missense variant. On other transcripts: 5 prime UTR variant (1).
Genome position (GRCh38, 1-based): chr2:9,523,296, A>G on the plus strand (T>C on the coding strand, the complement: ADAM17 is on the minus strand). VCF-style: chr2-9523296-A-G. GRCh37 (hg19) VCF-style: chr2-9663425-A-G.
Other names: c.136T>C, p.Ser46Pro (NM_001382777.1); c.-107T>C (NM_001382778.1); short protein forms S266P, S46P.
Identifiers: ClinVar variation 1017252 (VCV001017252.7), dbSNP rs1664383899, ClinGen allele CA345781600.
Genomic context (GRCh38, chr2:9,523,296, plus strand): 5'-TATTGATAAATACCTGCTCTATCTGTATTCCATAGCCTTTAAAACCTGCATTATCCCATG[A>G]AGTGTTCCGATAGATGTCATCAACTCTGTCAATTAGCTCTATCTGTGTGTATTTAAAAAA-3'
Protein context (NP_003174.3, residues 256-276): DRVDDIYRNT[Ser266Pro]WDNAGFKGYG